The following is an entry in ClinVar:

NM_030962.4(SBF2):c.1675T>G (p.Phe559Val)

Gene: SBF2 (SET binding factor 2; minus strand). Cytogenetic location: 11p15.4.
Variant type: single nucleotide variant.
Coding change: c.1675T>G on transcript NM_030962.4 (MANE Select); coding-DNA position 1675, T replaced by G.
Protein change: p.Phe559Val; replaces phenylalanine 559 with valine.
Molecular consequence: missense variant.
Genome position (GRCh38, 1-based): chr11:9,963,808, A>C on the plus strand (T>G on the coding strand, the complement: SBF2 is on the minus strand). VCF-style: chr11-9963808-A-C. GRCh37 (hg19) VCF-style: chr11-9985355-A-C.
Other names: c.1675T>G, p.Phe559Val (NM_001386339.1); c.1546T>G, p.Phe516Val (NM_001386342.1); short protein forms F559V, F516V.
Identifiers: ClinVar variation 2000739 (VCV002000739.4), dbSNP rs2495875002, ClinGen allele CA379644931.
Genomic context (GRCh38, chr11:9,963,808, plus strand): 5'-CTTGGGAAAGATCACATTTTATTACCTTTTCAGTTTCCAAAATTTTATTTTCAAATATGA[A>C]TGAGATACAGTTTCTGACAACTTCTAGTCTTTGTGCACTGTTGAAAACTGTCGTCACCTT-3'
Protein context (NP_112224.1, residues 549-569): RLEVVRNCIS[Phe559Val]IFENKILETE

ClinVar aggregate classification (germline): Uncertain significance (1 of 4 stars; one submission).

Conditions:
Charcot-Marie-Tooth disease type 4. Also called: Charcot-Marie-Tooth disease, type IV; Charcot-Marie-Tooth, Type 4. Identifiers: Orphanet 64749, MedGen C4082197, MONDO:0018995.

Submission:

Labcorp Genetics (formerly Invitae), Labcorp
Classification: Uncertain significance for Charcot-Marie-Tooth disease type 4. Last evaluated: 2022-06-01. Review status: criteria provided, single submitter. Criteria: Invitae Variant Classification Sherloc (09022015). Collection method: clinical testing. Allele origin: germline.
Comment: This sequence change replaces phenylalanine, which is neutral and non-polar, with valine, which is neutral and non-polar, at codon 559 of the SBF2 protein (p.Phe559Val). This variant is not present in population databases (gnomAD no frequency). This variant has not been reported in the literature in individuals affected with SBF2-related conditions. Algorithms developed to predict the effect of missense changes on protein structure and function (SIFT, PolyPhen-2, Align-GVGD) all suggest that this variant is likely to be tolerated. In summary, the available evidence is currently insufficient to determine the role of this variant in disease. Therefore, it has been classified as a Variant of Uncertain Significance.